The following is an entry in ClinVar:

ClinVar aggregate classification (germline): Uncertain significance. Review status: criteria provided, multiple submitters, no conflicts (2 of 4 stars). 2 submissions from 2 submitters: Uncertain significance (2). Last evaluated 2026-01-05.

Allele frequency attached by ClinVar (database versions not stated): gnomAD exomes below 0.00001; TOPMed below 0.00001; ExAC 0.00001.

Submissions (2):

Labcorp Genetics (formerly Invitae), Labcorp
Classification: Uncertain significance. Last evaluated: 2026-01-05. Review status: criteria provided, single submitter. Criteria: Invitae Variant Classification Sherloc (09022015). Collection method: clinical testing. Allele origin: germline.
Comment: This sequence change replaces tyrosine, which is neutral and polar, with histidine, which is basic and polar, at codon 155 of the GNAT2 protein (p.Tyr155His). This variant is present in population databases (rs766033906, gnomAD 0.0009%). This variant has not been reported in the literature in individuals affected with GNAT2-related conditions. ClinVar contains an entry for this variant (Variation ID: 2174667). An algorithm developed to predict the effect of missense changes on protein structure and function (PolyPhen-2) suggests that this variant is likely to be disruptive. In summary, the available evidence is currently insufficient to determine the role of this variant in disease. Therefore, it has been classified as a Variant of Uncertain Significance.

Blueprint Genetics
Classification: Uncertain significance. Last evaluated: 2023-11-20. Review status: criteria provided, single submitter. Criteria: ACMG Guidelines, 2015. Collection method: clinical testing. Allele origin: germline.

NM_001377295.2(GNAT2):c.463T>C (p.Tyr155His)

Gene: GNAT2 (G protein subunit alpha transducin 2; minus strand). Cytogenetic location: 1p13.3.
Variant type: single nucleotide variant.
Coding change: c.463T>C on transcript NM_001377295.2 (MANE Select); coding-DNA position 463, T replaced by C.
Protein change: p.Tyr155His; replaces tyrosine 155 with histidine.
Molecular consequence: missense variant.
Genome position (GRCh38, 1-based): chr1:109,606,435, A>G on the plus strand (T>C on the coding strand, the complement: GNAT2 is on the minus strand). VCF-style: chr1-109606435-A-G. GRCh37 (hg19) VCF-style: chr1-110149057-A-G.
Other names: c.463T>C, p.Tyr155His (NM_001379232.1, NM_005272.5); short protein forms Y155H.
Identifiers: ClinVar variation 2174667 (VCV002174667.5), dbSNP rs766033906, ClinGen allele CA992408.
Genomic context (GRCh38, chr1:109,606,435, plus strand): 5'-GCACATCTTGCTCACTAGGGAGGTACTCAGGGTCTGTAATTCGTTCTAATTGGTTCAGGT[A>G]GCTAGAGAAAAGTGATTAGCATCAATGACAAATTTTCCACAGACGAGGCTAAGAGACGTA-3'
Protein context (NP_001364224.1, residues 145-165): EYQLNDSASY[Tyr155His]LNQLERITDP